The following is an entry in ClinVar:

NM_000057.4(BLM):c.678_680dup (p.Asp227dup)

Gene: BLM (BLM RecQ like helicase; plus strand). Cytogenetic location: 15q26.1.
Variant type: Duplication.
Coding change: c.678_680dup on transcript NM_000057.4 (MANE Select); coding-DNA positions 678 to 680, 3 bases duplicated (TGA; older notation c.678_680dupTGA).
Protein change: p.Asp227dup; duplicates aspartic acid 227.
Molecular consequence: inframe insertion. On other transcripts: 5 prime UTR variant (1).
Genome position (GRCh38, 1-based): chr15:90,749,946-90,749,948, TGA duplicated; duplicating any 3 consecutive bases within chr15:90,749,944-90,749,948 gives the same sequence; the c. name uses the placement nearest the transcript's 3' end. VCF-style (leftmost placement, unchanged base first): chr15-90749943-G-GGAT. GRCh37 (hg19) VCF-style: chr15-91293173-G-GGAT.
Other names: c.678_680dup (LRG_20t1); c.678_680dupTGA (NM_000057.2); c.678_680dup, p.Asp227dup (NM_001287246.2, NM_001287247.2); c.-614_-612dup (NM_001287248.2).
Identifiers: ClinVar variation 550709 (VCV000550709.11), dbSNP rs1555418424, ClinGen allele CA658824606.

ClinVar aggregate classification (germline): Uncertain significance. Review status: criteria provided, single submitter (1 of 4 stars). 2 submissions from 2 submitters: Uncertain significance (1). 1 of the submissions does not count toward it. Last evaluated 2019-08-18.

Conditions:
Bloom syndrome (BLM). Also called: Bloom-Torre-Machacek syndrome. Identifiers: Orphanet 125, MedGen C0005859, MONDO:0008876, OMIM 210900.

Submissions (2):

Labcorp Genetics (formerly Invitae), Labcorp
Classification: Uncertain significance for Bloom syndrome. Last evaluated: 2019-08-18. Review status: criteria provided, single submitter. Criteria: Invitae Variant Classification Sherloc (09022015). Collection method: clinical testing. Allele origin: germline.
Comment: This variant, c.678_680dup, results in the insertion of 1 amino acid(s) to the BLM protein (p.Asp227dup), but otherwise preserves the integrity of the reading frame. This variant is not present in population databases (ExAC no frequency). This variant has not been reported in the literature in individuals with BLM-related conditions. ClinVar contains an entry for this variant (Variation ID: 550709). Experimental studies and prediction algorithms are not available or were not evaluated for this variant, and the functional significance of this variant is currently unknown. In summary, the available evidence is currently insufficient to determine the role of this variant in disease. Therefore, it has been classified as a Variant of Uncertain Significance.

Counsyl
Classification: Uncertain significance for Bloom syndrome. Last evaluated: 2017-02-09. Review status: no assertion criteria provided. Collection method: clinical testing. Allele origin: unknown. Not counted in ClinVar's aggregate classification.